The following is an entry in ClinVar:

NM_025132.4(WDR19):c.3013A>T (p.Thr1005Ser)

Gene: WDR19 (WD repeat domain 19; plus strand). Cytogenetic location: 4p14.
Variant type: single nucleotide variant.
Coding change: c.3013A>T on transcript NM_025132.4 (MANE Select); coding-DNA position 3013, A replaced by T.
Protein change: p.Thr1005Ser; replaces threonine 1005 with serine.
Molecular consequence: missense variant.
Genome position (GRCh38, 1-based): chr4:39,255,859, A>T. VCF-style: chr4-39255859-A-T. GRCh37 (hg19) VCF-style: chr4-39257479-A-T.
Other names: c.2533A>T, p.Thr845Ser (NM_001317924.2); short protein forms T845S, T1005S.
Identifiers: ClinVar variation 961750 (VCV000961750.6), dbSNP rs757632232, ClinGen allele CA2892241.
Genomic context (GRCh38, chr4:39,255,859, plus strand): 5'-GGTAAACAAATTTTGCTCAGATATTTTACTCAGTAAACTTCTGTTACAGGTTCTGAAGAC[A>T]CTACTAATGAAGACTATCAAAGCATTGCCTTATACTTTGAAGGAGAAAAGAGATATCTTC-3'
Protein context (NP_079408.3, residues 995-1015): IYADIIGSED[Thr1005Ser]TNEDYQSIAL

ClinVar aggregate classification (germline): Uncertain significance. Review status: criteria provided, multiple submitters, no conflicts (2 of 4 stars). 2 submissions from 2 submitters: Uncertain significance (2). Last evaluated 2022-10-24.

Conditions:
Asphyxiating thoracic dystrophy 5 (SRTD5). Also called: SHORT-RIB THORACIC DYSPLASIA 5 WITH OR WITHOUT POLYDACTYLY; SHORT-RIB THORACIC DYSPLASIA 5 WITHOUT POLYDACTYLY. Identifiers: Orphanet 474, MedGen C3280598, MONDO:0013717, OMIM 614376.
Senior-Loken syndrome 8 (SLSN8). Identifiers: Orphanet 3156, MedGen C4225376, MONDO:0014579, OMIM 616307.

Allele frequency attached by ClinVar (database versions not stated): gnomAD 0.00001; gnomAD exomes 0.00002; ExAC 0.00005.
gnomAD v4.1: 19 of 1,590,362 alleles (0.0012%); highest among the groups gnomAD compares: Non-Finnish European, 0.0015%; no homozygotes.

Submissions (2):

Labcorp Genetics (formerly Invitae), Labcorp
Classification: Uncertain significance for Senior-Loken syndrome 8; Asphyxiating thoracic dystrophy 5. Last evaluated: 2022-10-24. Review status: criteria provided, single submitter. Criteria: Invitae Variant Classification Sherloc (09022015). Collection method: clinical testing. Allele origin: germline.
Comment: This sequence change replaces threonine, which is neutral and polar, with serine, which is neutral and polar, at codon 1005 of the WDR19 protein (p.Thr1005Ser). This variant is present in population databases (rs757632232, gnomAD 0.008%). This variant has not been reported in the literature in individuals affected with WDR19-related conditions. ClinVar contains an entry for this variant (Variation ID: 961750). Advanced modeling of protein sequence and biophysical properties (such as structural, functional, and spatial information, amino acid conservation, physicochemical variation, residue mobility, and thermodynamic stability) performed at Invitae indicates that this missense variant is not expected to disrupt WDR19 protein function. In summary, the available evidence is currently insufficient to determine the role of this variant in disease. Therefore, it has been classified as a Variant of Uncertain Significance.

Blueprint Genetics
Classification: Uncertain significance. Last evaluated: 2022-06-27. Review status: criteria provided, single submitter. Criteria: ACMG Guidelines, 2015. Collection method: clinical testing. Allele origin: germline.